The following is an entry in ClinVar:

NM_004726.3(REPS2):c.705G>A (p.Gln235=)

Gene: REPS2 (RALBP1 associated Eps domain containing 2; plus strand). Cytogenetic location: Xp22.2.
Variant type: single nucleotide variant.
Coding change: c.705G>A on transcript NM_004726.3 (MANE Select); coding-DNA position 705, G replaced by A.
Protein change: p.Gln235=; no amino-acid change (glutamine 235 retained).
Molecular consequence: synonymous variant.
Genome position (GRCh38, 1-based): chrX:17,029,557, G>A. VCF-style: chrX-17029557-G-A. GRCh37 (hg19) VCF-style: chrX-17047680-G-A.
Other names: c.702G>A, p.Gln234= (NM_001080975.2).
Identifiers: ClinVar variation 2660075 (VCV002660075.24), dbSNP rs753183113, ClinGen allele CA10358096.

ClinVar aggregate classification (germline): Likely benign (1 of 4 stars; one submission).

Allele frequency attached by ClinVar (database versions not stated): gnomAD exomes 0.00003; gnomAD 0.00004; TOPMed 0.00004; ExAC 0.00007.
gnomAD v4.1: 40 of 1,209,287 alleles (0.0033%); highest among the groups gnomAD compares: Non-Finnish European, 0.0045%; no homozygotes.

Submission:

CeGaT Center for Human Genetics Tuebingen
Classification: Likely benign. Last evaluated: 2023-03-01. Review status: criteria provided, single submitter. Criteria: CeGaT Center For Human Genetics Tuebingen Variant Classification Criteria Version 2. Collection method: clinical testing. Allele origin: germline. Affected: yes. Observed: 1 variant allele.
Comment: REPS2: BP4, BP7, BS2